The following is an entry in ClinVar:

ClinVar aggregate classification (germline): Likely benign. Review status: criteria provided, multiple submitters, no conflicts (2 of 4 stars). 2 submissions from 2 submitters: Likely benign (2). Last evaluated 2026-01-05.

Conditions:
Severe early-onset pulmonary alveolar proteinosis due to MARS deficiency. Also called: PULMONARY ALVEOLAR PROTEINOSIS, REUNION ISLAND; Interstitial lung and liver disease. Identifiers: Orphanet 440427, MedGen C4225400, MONDO:0014206, OMIM 615486.
Charcot-Marie-Tooth disease axonal type 2U. Also called: CHARCOT-MARIE-TOOTH NEUROPATHY, TYPE 2U; CHARCOT-MARIE-TOOTH DISEASE, AXONAL, AUTOSOMAL DOMINANT, TYPE 2U. Identifiers: Orphanet 397735, MedGen C4084821, MONDO:0014566, OMIM 616280.

Allele frequency attached by ClinVar (database versions not stated): gnomAD exomes 0.00004; ExAC 0.00007; 1000 Genomes Project 30x 0.00016; gnomAD 0.00019 and 0.00021; 1000 Genomes Project 0.00020; ESP Exome Variant Server 0.00023; TOPMed 0.00025.
gnomAD v4.1: 75 of 1,614,232 alleles (0.0046%); highest among the groups gnomAD compares: African/African-American, 0.077%; no homozygotes.

Submissions (2):

Labcorp Genetics (formerly Invitae), Labcorp
Classification: Likely benign for Charcot-Marie-Tooth disease axonal type 2U; Severe early-onset pulmonary alveolar proteinosis due to MARS deficiency. Last evaluated: 2026-01-05. Review status: criteria provided, single submitter. Criteria: Invitae Variant Classification Sherloc (09022015). Collection method: clinical testing. Allele origin: germline.

Mayo Clinic Laboratories, Mayo Clinic
Classification: Likely benign. Last evaluated: 2025-05-07. Review status: criteria provided, single submitter. Criteria: ACMG Guidelines, 2015. Collection method: clinical testing. Allele origin: germline. Observed: 1 variant allele.
Comment: BP4, BP7

NM_004990.4(MARS1):c.1149T>C (p.Thr383=)

Gene: MARS1 (methionyl-tRNA synthetase 1; plus strand). Cytogenetic location: 12q13.3.
Variant type: single nucleotide variant.
Coding change: c.1149T>C on transcript NM_004990.4 (MANE Select); coding-DNA position 1149, T replaced by C.
Protein change: p.Thr383=; no amino-acid change (threonine 383 retained).
Molecular consequence: synonymous variant.
Genome position (GRCh38, 1-based): chr12:57,500,378, T>C. VCF-style: chr12-57500378-T-C. GRCh37 (hg19) VCF-style: chr12-57894161-T-C.
Other names: p.Thr383=.
Identifiers: ClinVar variation 703810 (VCV000703810.8), dbSNP rs139772690, ClinGen allele CA6650431.
Genomic context (GRCh38, chr12:57,500,378, plus strand): 5'-CAGAATCACCCAGGACATTTTCCAGCAGTTGCTGAAACGAGGTTTTGTGCTGCAAGATAC[T>C]GTGGAGCAACTGCGATGTGAGCACTGTGCTCGCTTCCTGGCTGACCGCTTCGTGGAGGGC-3'
Protein context (NP_004981.2, residues 373-393): LLKRGFVLQD[Thr383=]VEQLRCEHCA